The following is an entry in ClinVar:

ClinVar aggregate classification (germline): Uncertain significance. Review status: criteria provided, multiple submitters, no conflicts (2 of 4 stars). 2 submissions from 2 submitters: Uncertain significance (2). Last evaluated 2023-01-31.

Conditions:
ABCA2-related disorder. Also called: ABCA2-related condition.

gnomAD v4.1: 9 of 1,605,190 alleles (0.00056%); highest among the groups gnomAD compares: South Asian, 0.0022%; no homozygotes.

Submissions (2):

PreventionGenetics, part of Exact Sciences
Classification: Uncertain significance for ABCA2-related condition. Last evaluated: 2023-01-31. Review status: criteria provided, single submitter. Criteria: ACMG Guidelines, 2015. Collection method: clinical testing. Allele origin: germline.
Comment: The ABCA2 c.4633G>A variant is predicted to result in the amino acid substitution p.Glu1545Lys. To our knowledge, this variant has not been reported in the literature. This variant is reported in 0.0071% of alleles in individuals of African descent in gnomAD. At this time, the clinical significance of this variant is uncertain due to the absence of conclusive functional and genetic evidence.

Ambry Genetics
Classification: Uncertain significance. Last evaluated: 2022-02-24. Review status: criteria provided, single submitter. Criteria: Ambry Variant Classification Scheme 2023. Collection method: clinical testing. Allele origin: germline.

NM_001606.5(ABCA2):c.4543G>A (p.Glu1515Lys)

Gene: ABCA2 (ATP binding cassette subfamily A member 2; minus strand). Cytogenetic location: 9q34.3.
Variant type: single nucleotide variant.
Coding change: c.4543G>A on transcript NM_001606.5 (MANE Select); coding-DNA position 4543, G replaced by A.
Protein change: p.Glu1515Lys; replaces glutamic acid 1515 with lysine.
Molecular consequence: missense variant.
Genome position (GRCh38, 1-based): chr9:137,013,468, C>T on the plus strand (G>A on the coding strand, the complement: ABCA2 is on the minus strand). VCF-style: chr9-137013468-C-T. GRCh37 (hg19) VCF-style: chr9-139907920-C-T.
Other names: c.4540G>A, p.Glu1514Lys (NM_001411042.1); c.4633G>A, p.Glu1545Lys (NM_212533.3); short protein forms E1514K, E1515K, E1545K.
Identifiers: ClinVar variation 2213995 (VCV002213995.3), dbSNP rs1389978024, ClinGen allele CA375664187.
Genomic context (GRCh38, chr9:137,013,468, plus strand): 5'-CCCGCCCCTTCACTCGCCCCACCCACCAAGGCTGCCCCCGCTGGAGGCCTCACCGGTACT[C>T]GCGGCGCTCCTCGTTGGCGTAGGGGATGAAATTGCCACGGGGCTGGGTGTAGTTGTGGTA-3'
Protein context (NP_001597.2, residues 1505-1525): FIPYANEERR[Glu1515Lys]YRLRLSPDAS